The following is an entry in ClinVar:

ClinVar aggregate classification (germline): Uncertain significance (1 of 4 stars; one submission).

Conditions:
Niemann-Pick disease, type C1. Also called: NIEMANN-PICK DISEASE, VARIANT TYPE C1; NEUROVISCERAL STORAGE DISEASE WITH VERTICAL SUPRANUCLEAR OPHTHALMOPLEGIA; NIEMANN-PICK DISEASE WITH CHOLESTEROL ESTERIFICATION BLOCK; NIEMANN-PICK DISEASE WITHOUT SPHINGOMYELINASE DEFICIENCY; NIEMANN-PICK DISEASE, CHRONIC NEURONOPATHIC FORM. Identifiers: Orphanet 646, MedGen C3179455, MONDO:0009757, OMIM 257220.

Allele frequency attached by ClinVar (database versions not stated): gnomAD exomes below 0.00001; ExAC 0.00001; gnomAD 0.00001.
gnomAD v4.1: 5 of 1,610,792 alleles (0.00031%); highest among the groups gnomAD compares: Admixed American, 0.0033%; no homozygotes.

Submission:

Labcorp Genetics (formerly Invitae), Labcorp
Classification: Uncertain significance for Niemann-Pick disease, type C1. Last evaluated: 2022-09-12. Review status: criteria provided, single submitter. Criteria: Invitae Variant Classification Sherloc (09022015). Collection method: clinical testing. Allele origin: germline.
Comment: This sequence change replaces tyrosine, which is neutral and polar, with cysteine, which is neutral and slightly polar, at codon 550 of the NPC1 protein (p.Tyr550Cys). This variant is present in population databases (rs758823922, gnomAD 0.003%). This variant has not been reported in the literature in individuals affected with NPC1-related conditions. ClinVar contains an entry for this variant (Variation ID: 1485752). Advanced modeling of protein sequence and biophysical properties (such as structural, functional, and spatial information, amino acid conservation, physicochemical variation, residue mobility, and thermodynamic stability) performed at Invitae indicates that this missense variant is expected to disrupt NPC1 protein function. In summary, the available evidence is currently insufficient to determine the role of this variant in disease. Therefore, it has been classified as a Variant of Uncertain Significance.

NM_000271.5(NPC1):c.1649A>G (p.Tyr550Cys)

Gene: NPC1 (NPC intracellular cholesterol transporter 1; minus strand). Cytogenetic location: 18q11.2.
Variant type: single nucleotide variant.
Coding change: c.1649A>G on transcript NM_000271.5 (MANE Select); coding-DNA position 1649, A replaced by G.
Protein change: p.Tyr550Cys; replaces tyrosine 550 with cysteine.
Molecular consequence: missense variant.
Genome position (GRCh38, 1-based): chr18:23,551,632, T>C on the plus strand (A>G on the coding strand, the complement: NPC1 is on the minus strand). VCF-style: chr18-23551632-T-C. GRCh37 (hg19) VCF-style: chr18-21131596-T-C.
Other names: short protein forms Y550C.
Identifiers: ClinVar variation 1485752 (VCV001485752.3), dbSNP rs758823922, ClinGen allele CA8913414.